The following is an entry in ClinVar:

NM_152564.5(VPS13B):c.8148A>G (p.Ile2716Met)

Gene: VPS13B (vacuolar protein sorting 13 homolog B; plus strand). Cytogenetic location: 8q22.2.
Variant type: single nucleotide variant.
Coding change: c.8148A>G on transcript NM_152564.5 (MANE Select); coding-DNA position 8148, A replaced by G.
Protein change: p.Ile2716Met; replaces isoleucine 2716 with methionine.
Molecular consequence: missense variant.
Genome position (GRCh38, 1-based): chr8:99,817,590, A>G. VCF-style: chr8-99817590-A-G. GRCh37 (hg19) VCF-style: chr8-100829818-A-G.
Other names: c.8223A>G, p.Ile2741Met (NM_017890.5); short protein forms I2716M, I2741M.
Identifiers: ClinVar variation 3049150 (VCV003049150.2), dbSNP rs757132990, ClinGen allele CA4824399.

ClinVar aggregate classification (germline): Uncertain significance (0 of 4 stars; one submission).

Conditions:
VPS13B-related disorder. Also called: VPS13B-related condition.

Allele frequency attached by ClinVar (database versions not stated): gnomAD exomes 0.00001; ExAC 0.00003.
gnomAD v4.1: 18 of 1,614,088 alleles (0.0011%); highest among the groups gnomAD compares: South Asian, 0.02%; no homozygotes.

Submission:

PreventionGenetics, part of Exact Sciences
Classification: Uncertain significance for VPS13B-related condition. Last evaluated: 2023-12-01. Review status: no assertion criteria provided. Collection method: clinical testing. Allele origin: germline.
Comment: The VPS13B c.8148A>G variant is predicted to result in the amino acid substitution p.Ile2716Met. To our knowledge, this variant has not been reported in the literature. This variant is reported in 0.013% of alleles in individuals of South Asian descent in gnomAD. At this time, the clinical significance of this variant is uncertain due to the absence of conclusive functional and genetic evidence.